The following is an entry in ClinVar:

NM_001372.4(DNAH9):c.4660G>A (p.Ala1554Thr)

Gene: DNAH9 (dynein axonemal heavy chain 9; plus strand). Cytogenetic location: 17p12.
Variant type: single nucleotide variant.
Coding change: c.4660G>A on transcript NM_001372.4 (MANE Select); coding-DNA position 4660, G replaced by A.
Protein change: p.Ala1554Thr; replaces alanine 1554 with threonine.
Molecular consequence: missense variant.
Genome position (GRCh38, 1-based): chr17:11,693,913, G>A. VCF-style: chr17-11693913-G-A. GRCh37 (hg19) VCF-style: chr17-11597230-G-A.
Other names: short protein forms A1554T.
Identifiers: ClinVar variation 3648681 (VCV003648681.2).

ClinVar aggregate classification (germline): Uncertain significance (1 of 4 stars; one submission).

Submission:

Labcorp Genetics (formerly Invitae), Labcorp
Classification: Uncertain significance. Last evaluated: 2024-07-06. Review status: criteria provided, single submitter. Criteria: Invitae Variant Classification Sherloc (09022015). Collection method: clinical testing. Allele origin: germline.
Comment: This sequence change replaces alanine, which is neutral and non-polar, with threonine, which is neutral and polar, at codon 1554 of the DNAH9 protein (p.Ala1554Thr). This variant is not present in population databases (gnomAD no frequency). This variant has not been reported in the literature in individuals affected with DNAH9-related conditions. Advanced modeling of protein sequence and biophysical properties (such as structural, functional, and spatial information, amino acid conservation, physicochemical variation, residue mobility, and thermodynamic stability) performed at Invitae indicates that this missense variant is not expected to disrupt DNAH9 protein function with a negative predictive value of 80%. In summary, the available evidence is currently insufficient to determine the role of this variant in disease. Therefore, it has been classified as a Variant of Uncertain Significance.